The following is an entry in ClinVar:

ClinVar aggregate classification (germline): Uncertain significance (1 of 4 stars; one submission).

Submission:

Ambry Genetics
Classification: Uncertain significance. Last evaluated: 2022-04-21. Review status: criteria provided, single submitter. Criteria: Ambry Variant Classification Scheme 2023. Collection method: clinical testing. Allele origin: germline.
Comment: The p.C453W variant (also known as c.1359T>G), located in coding exon 11 of the RECQL gene, results from a T to G substitution at nucleotide position 1359. The cysteine at codon 453 is replaced by tryptophan, an amino acid with highly dissimilar properties. This amino acid position is conserved. In addition, this alteration is predicted to be deleterious by in silico analysis. Since supporting evidence is limited at this time, the clinical significance of this alteration remains unclear.

NM_002907.4(RECQL):c.1359T>G (p.Cys453Trp)

Gene: RECQL (RecQ like helicase; minus strand). Cytogenetic location: 12p12.1.
Variant type: single nucleotide variant.
Coding change: c.1359T>G on transcript NM_002907.4 (MANE Select); coding-DNA position 1359, T replaced by G.
Protein change: p.Cys453Trp; replaces cysteine 453 with tryptophan.
Molecular consequence: missense variant.
Genome position (GRCh38, 1-based): chr12:21,473,639, A>C on the plus strand (T>G on the coding strand, the complement: RECQL is on the minus strand). VCF-style: chr12-21473639-A-C. GRCh37 (hg19) VCF-style: chr12-21626573-A-C.
Other names: c.1359T>G, p.Cys453Trp (NM_032941.3); short protein forms C453W.
Identifiers: ClinVar variation 1770777 (VCV001770777.2), dbSNP rs2540334897, ClinGen allele CA384117811.